The following is an entry in ClinVar:

NM_014000.3(VCL):c.1868A>C (p.Glu623Ala)

Gene: VCL (vinculin; plus strand). Cytogenetic location: 10q22.2.
Variant type: single nucleotide variant.
Coding change: c.1868A>C on transcript NM_014000.3 (MANE Select); coding-DNA position 1868, A replaced by C.
Protein change: p.Glu623Ala; replaces glutamic acid 623 with alanine.
Molecular consequence: missense variant.
Genome position (GRCh38, 1-based): chr10:74,097,328, A>C. VCF-style: chr10-74097328-A-C. GRCh37 (hg19) VCF-style: chr10-75857086-A-C.
Other names: c.1868A>C, p.Glu623Ala (NM_003373.4); short protein forms E623A.
Identifiers: ClinVar variation 408941 (VCV000408941.7), dbSNP rs1060502193, ClinGen allele CA16612854.

ClinVar aggregate classification (germline): Uncertain significance (1 of 4 stars; one submission).

Conditions:
Dilated cardiomyopathy 1W (CMD1W). Identifiers: Orphanet 154, MedGen C1969639, MONDO:0012667, OMIM 611407.

gnomAD v4.1: 1 of 1,613,218 alleles (0.000062%); highest among the groups gnomAD compares: Non-Finnish European, 0.000085%; no homozygotes.

Submission:

Labcorp Genetics (formerly Invitae), Labcorp
Classification: Uncertain significance for Dilated cardiomyopathy 1W. Last evaluated: 2024-07-22. Review status: criteria provided, single submitter. Criteria: Invitae Variant Classification Sherloc (09022015). Collection method: clinical testing. Allele origin: germline.
Comment: This sequence change replaces glutamic acid, which is acidic and polar, with alanine, which is neutral and non-polar, at codon 623 of the VCL protein (p.Glu623Ala). This variant is not present in population databases (gnomAD no frequency). This variant has not been reported in the literature in individuals affected with VCL-related conditions. ClinVar contains an entry for this variant (Variation ID: 408941). An algorithm developed to predict the effect of missense changes on protein structure and function (PolyPhen-2) suggests that this variant is likely to be tolerated. In summary, the available evidence is currently insufficient to determine the role of this variant in disease. Therefore, it has been classified as a Variant of Uncertain Significance.